The following is an entry in ClinVar:

ClinVar aggregate classification (germline): Uncertain significance (1 of 4 stars; one submission).

Conditions:
Hereditary spastic paraplegia 49 (HSAN9). Also called: NEUROPATHY, HEREDITARY SENSORY AND AUTONOMIC, TYPE IX, WITH DEVELOPMENTAL DELAY; Spastic paraplegia 49, autosomal recessive; TECPR2-Related Hereditary Sensory and Autonomic Neuropathy with Intellectual Disability. Identifiers: Orphanet 320385, MedGen C5190860, MONDO:0014016, OMIM 615031.

Submission:

Labcorp Genetics (formerly Invitae), Labcorp
Classification: Uncertain significance for Hereditary spastic paraplegia 49. Last evaluated: 2022-06-24. Review status: criteria provided, single submitter. Criteria: Invitae Variant Classification Sherloc (09022015). Collection method: clinical testing. Allele origin: germline.
Comment: This variant is a gross deletion of the genomic region encompassing exon(s) 18-20 of the TECPR2 gene, which includes the termination codon. This deletion extends beyond the assayed region for this gene and therefore may encompass additional genes. While this deletion is not anticipated to lead to nonsense mediated decay, it is expected to alter mRNA translation or result in a truncated protein product. In summary, the available evidence is currently insufficient to determine the role of this variant in disease. Therefore, it has been classified as a Variant of Uncertain Significance. This variant has not been reported in the literature in individuals affected with TECPR2-related conditions.

NC_000014.8:g.(?_102963296)_(102964594_?)del

Gene: TECPR2 (tectonin beta-propeller repeat containing 2; plus strand). Cytogenetic location: 14q32.31.
Variant type: Deletion.
Identifiers: ClinVar variation 2425979 (VCV002425979.6).